The following is an entry in ClinVar:

ClinVar aggregate classification (germline): Likely benign (1 of 4 stars; one submission).

Submission:

CeGaT Center for Human Genetics Tuebingen
Classification: Likely benign. Last evaluated: 2024-07-01. Review status: criteria provided, single submitter. Criteria: CeGaT Center For Human Genetics Tuebingen Variant Classification Criteria Version 2. Collection method: clinical testing. Allele origin: germline. Affected: yes. Observed: 1 variant allele.
Comment: GOLGA8K: BP4, BP7, BS2

NM_001282493.2(GOLGA8K):c.660G>C (p.Leu220=)

Gene: GOLGA8K (golgin A8 family member K). Cytogenetic location: 15q13.3.
Variant type: single nucleotide variant.
Coding change: c.660G>C on transcript NM_001282493.2 (MANE Select); coding-DNA position 660, G replaced by C.
Protein change: p.Leu220=; no amino-acid change (leucine 220 retained).
Molecular consequence: synonymous variant.
Genome position (GRCh38, 1-based): chr15:32,397,435, C>G on the plus strand (G>C on the coding strand, the complement: GOLGA8K is on the minus strand). VCF-style: chr15-32397435-C-G. GRCh37 (hg19) VCF-style: chr15-32689636-C-G.
Identifiers: ClinVar variation 3257667 (VCV003257667.17).